The following is an entry in ClinVar:

NM_004364.5(CEBPA):c.596C>T (p.Ala199Val)

Gene: CEBPA (CCAAT enhancer binding protein alpha; minus strand). Cytogenetic location: 19q13.11.
Variant type: single nucleotide variant.
Coding change: c.596C>T on transcript NM_004364.5 (MANE Select); coding-DNA position 596, C replaced by T.
Protein change: p.Ala199Val; replaces alanine 199 with valine.
Molecular consequence: missense variant.
Genome position (GRCh38, 1-based): chr19:33,301,819, G>A on the plus strand (C>T on the coding strand, the complement: CEBPA is on the minus strand). VCF-style: chr19-33301819-G-A. GRCh37 (hg19) VCF-style: chr19-33792725-G-A.
Other names: c.239C>T, p.Ala80Val (NM_001285829.2); c.701C>T, p.Ala234Val (NM_001287424.2); c.554C>T, p.Ala185Val (NM_001287435.2); short protein forms A185V, A199V, A80V, A234V.
Identifiers: ClinVar variation 3489904 (VCV003489904.3).

ClinVar aggregate classification (germline): Uncertain significance. Review status: criteria provided, multiple submitters, no conflicts (2 of 4 stars). 2 submissions from 2 submitters: Uncertain significance (2). Last evaluated 2025-11-10.

Conditions:
Inborn genetic diseases. Identifiers: MedGen C0950123, MeSH D030342.

Submissions (2):

Dasa
Classification: Uncertain significance. Last evaluated: 2025-11-10. Review status: criteria provided, single submitter. Criteria: DASA Assertion Criteria. Collection method: clinical testing. Allele origin: germline.
Comment: NM_004364.5(CEBPA):c.596C>T (p.Ala199Val) is a missense variant that results in the substitution of alanine with valine. This variant is rare in population databases. Computational prediction algorithms are consistent with a benign effect. The currently available literature and clinical evidence are not sufficient to establish a definitive association between this variant and the reported condition. Therefore, this variant is classified as a variant of uncertain significance.

Ambry Genetics
Classification: Uncertain significance for Inborn genetic diseases. Last evaluated: 2024-11-27. Review status: criteria provided, single submitter. Criteria: Ambry Variant Classification Scheme 2023. Collection method: clinical testing. Allele origin: germline.
Comment: The p.A199V variant (also known as c.596C>T), located in coding exon 1 of the CEBPA gene, results from a C to T substitution at nucleotide position 596. The alanine at codon 199 is replaced by valine, an amino acid with similar properties. This amino acid position is conserved. In addition, this alteration is predicted to be tolerated by in silico analysis. Based on the available evidence, the clinical significance of this variant remains unclear.